The following is an entry in ClinVar:

NM_001289808.2(CRYAB):c.201+14C>G

Gene: CRYAB (crystallin alpha B; minus strand). Cytogenetic location: 11q23.1.
Variant type: single nucleotide variant.
Coding change: c.201+14C>G on transcript NM_001289808.2 (MANE Select); 14 bases into the intron after coding-DNA position 201, C replaced by G.
Molecular consequence: intron variant.
Genome position (GRCh38, 1-based): chr11:111,911,510, G>C on the plus strand (C>G on the coding strand, the complement: CRYAB is on the minus strand). VCF-style: chr11-111911510-G-C. GRCh37 (hg19) VCF-style: chr11-111782234-G-C.
Other names: c.201+14C>G (NM_001368245.1, NM_001885.3, NM_001289807.1).
Identifiers: ClinVar variation 515691 (VCV000515691.9), dbSNP rs782207762, ClinGen allele CA6275557.

ClinVar aggregate classification (germline): Likely benign. Review status: criteria provided, multiple submitters, no conflicts (2 of 4 stars). 3 submissions from 3 submitters: Likely benign (3). Last evaluated 2025-11-19.

Conditions:
Dilated cardiomyopathy 1II (CMD1II). Identifiers: Orphanet 154, MedGen C3554649, MONDO:0014073, OMIM 615184.

Allele frequency attached by ClinVar (database versions not stated): gnomAD exomes 0.00001; ExAC 0.00002; gnomAD 0.00003; TOPMed 0.00004.
gnomAD v4.1: 125 of 1,603,632 alleles (0.0078%); highest among the groups gnomAD compares: Non-Finnish European, 0.01%; no homozygotes.

Submissions (3):

Labcorp Genetics (formerly Invitae), Labcorp
Classification: Likely benign for Dilated cardiomyopathy 1II. Last evaluated: 2025-11-19. Review status: criteria provided, single submitter. Criteria: Invitae Variant Classification Sherloc (09022015). Collection method: clinical testing. Allele origin: germline.

Blueprint Genetics
Classification: Likely benign. Last evaluated: 2024-02-20. Review status: criteria provided, single submitter. Criteria: ACMG Guidelines, 2015. Collection method: clinical testing. Allele origin: germline.

GeneDx
Classification: Likely benign. Last evaluated: 2018-02-22. Review status: criteria provided, single submitter. Criteria: GeneDx Variant Classification (06012015). Collection method: clinical testing. Allele origin: germline. Affected: yes.
Comment: This variant is considered likely benign or benign based on one or more of the following criteria: it is a conservative change, it occurs at a poorly conserved position in the protein, it is predicted to be benign by multiple in silico algorithms, and/or has population frequency not consistent with disease.